The following is an entry in ClinVar:

ClinVar aggregate classification (germline): Uncertain significance (1 of 4 stars; one submission).

Conditions:
Cardiovascular phenotype. Identifiers: MedGen CN230736.

gnomAD v4.1: 1 of 1,611,320 alleles (0.000062%); highest among the groups gnomAD compares: Non-Finnish European, 0.000085%; no homozygotes.

Submission:

Ambry Genetics
Classification: Uncertain significance for Cardiovascular phenotype. Last evaluated: 2025-09-20. Review status: criteria provided, single submitter. Criteria: Ambry Variant Classification Scheme 2023. Collection method: clinical testing. Allele origin: germline.
Comment: The p.E133K variant (also known as c.397G>A), located in coding exon 4 of the SPRED1 gene, results from a G to A substitution at nucleotide position 397. The glutamic acid at codon 133 is replaced by lysine, an amino acid with similar properties. This amino acid position is conserved. In addition, the in silico prediction for this alteration is inconclusive. Based on the available evidence, the clinical significance of this variant remains unclear.

NM_152594.3(SPRED1):c.397G>A (p.Glu133Lys)

Gene: SPRED1 (sprouty related EVH1 domain containing 1; plus strand). Cytogenetic location: 15q14.
Variant type: single nucleotide variant.
Coding change: c.397G>A on transcript NM_152594.3 (MANE Select); coding-DNA position 397, G replaced by A.
Protein change: p.Glu133Lys; replaces glutamic acid 133 with lysine.
Molecular consequence: missense variant.
Genome position (GRCh38, 1-based): chr15:38,324,783, G>A. VCF-style: chr15-38324783-G-A. GRCh37 (hg19) VCF-style: chr15-38616984-G-A.
Other names: short protein forms E133K.
Identifiers: ClinVar variation 4615006 (VCV004615006.1).